The following continues an entry in ClinVar:

NM_001048174.2(MUTYH):c.452A>G (p.Tyr151Cys)

Gene: MUTYH. ClinVar aggregate classification (germline): Pathogenic/Likely pathogenic. Pathogenic (52); Likely pathogenic (2).

Submissions 72 to 74 of 74:

Genomics England Pilot Project, Genomics England
Classification: Pathogenic for Familial adenomatous polyposis 2. Review status: no assertion criteria provided. Criteria: ACGS Guidelines, 2016. Collection method: clinical testing. Allele origin: germline. Affected: yes. Not counted in ClinVar's aggregate classification.

Joint Genome Diagnostic Labs from Nijmegen and Maastricht, Radboudumc and MUMC+
Classification: Pathogenic. Review status: no assertion criteria provided. Collection method: clinical testing. Allele origin: germline. Affected: yes. Study: VKGL Data-share Consensus. Not counted in ClinVar's aggregate classification.

Laboratory of Diagnostic Genome Analysis, Leiden University Medical Center (LUMC)
Classification: Pathogenic. Review status: no assertion criteria provided. Collection method: clinical testing. Allele origin: germline. Affected: yes. Study: VKGL Data-share Consensus. Not counted in ClinVar's aggregate classification.

Literature cited by the submitters: PubMed 11818965 (cited by 13 submitters); PubMed 18534194 (cited by 11 submitters); PubMed 19953527 (cited by 10 submitters); PubMed 20848659 (cited by 11 submitters); PubMed 16492921 (cited by 3 submitters); PubMed 12606733 (cited by 9 submitters); PubMed 24444654 (cited by 5 submitters); PubMed 23035301 (cited by 5 submitters); PubMed 16557584 (cited by 6 submitters); PubMed 17489848 (cited by 5 submitters); PubMed 19793053 (cited by 5 submitters); PubMed 21063410 (cited by 8 submitters); PubMed 19032956 (cited by 12 submitters); PubMed 23361220 (cited by 9 submitters); PubMed 34981295 (cited by Ambry Genetics); PubMed 27829682 (cited by 6 submitters); PubMed 19732775 (cited by 7 submitters); PubMed 19998059 (cited by Quest Diagnostics Nichols Institute San Juan Capistrano and AiLife Diagnostics); PubMed 20571908 (cited by Quest Diagnostics Nichols Institute San Juan Capistrano and AiLife Diagnostics); PubMed 21178863 (cited by Quest Diagnostics Nichols Institute San Juan Capistrano and AiLife Diagnostics); PubMed 22926731 (cited by 3 submitters); PubMed 23108399 (cited by Quest Diagnostics Nichols Institute San Juan Capistrano and AiLife Diagnostics); PubMed 24728327 (cited by 3 submitters); PubMed 25820570 (cited by 3 submitters); PubMed 25980754 (cited by Quest Diagnostics Nichols Institute San Juan Capistrano and AiLife Diagnostics); PubMed 26202870 (cited by Quest Diagnostics Nichols Institute San Juan Capistrano and AiLife Diagnostics); PubMed 26517685 (cited by Quest Diagnostics Nichols Institute San Juan Capistrano and AiLife Diagnostics); PubMed 26556299 (cited by Quest Diagnostics Nichols Institute San Juan Capistrano and AiLife Diagnostics); PubMed 26681312 (cited by Quest Diagnostics Nichols Institute San Juan Capistrano and AiLife Diagnostics); PubMed 27153395 (cited by Quest Diagnostics Nichols Institute San Juan Capistrano and AiLife Diagnostics); PubMed 27631816 (cited by Quest Diagnostics Nichols Institute San Juan Capistrano and AiLife Diagnostics); PubMed 27797849 (cited by Quest Diagnostics Nichols Institute San Juan Capistrano and AiLife Diagnostics); PubMed 28503720 (cited by Quest Diagnostics Nichols Institute San Juan Capistrano and AiLife Diagnostics); PubMed 28709830 (cited by Quest Diagnostics Nichols Institute San Juan Capistrano and AiLife Diagnostics); PubMed 28944238 (cited by Quest Diagnostics Nichols Institute San Juan Capistrano and AiLife Diagnostics); PubMed 29506128 (cited by Quest Diagnostics Nichols Institute San Juan Capistrano and AiLife Diagnostics); PubMed 29557500 (cited by Quest Diagnostics Nichols Institute San Juan Capistrano and AiLife Diagnostics); PubMed 30067863 (cited by Quest Diagnostics Nichols Institute San Juan Capistrano and AiLife Diagnostics); PubMed 30256826 (cited by Quest Diagnostics Nichols Institute San Juan Capistrano and AiLife Diagnostics); PubMed 30291343 (cited by Quest Diagnostics Nichols Institute San Juan Capistrano and AiLife Diagnostics); PubMed 30306255 (cited by Quest Diagnostics Nichols Institute San Juan Capistrano and AiLife Diagnostics); PubMed 30564557 (cited by Quest Diagnostics Nichols Institute San Juan Capistrano and AiLife Diagnostics); PubMed 30582135 (cited by Quest Diagnostics Nichols Institute San Juan Capistrano and AiLife Diagnostics); PubMed 30604180 (cited by Quest Diagnostics Nichols Institute San Juan Capistrano and AiLife Diagnostics); PubMed 30609409 (cited by Quest Diagnostics Nichols Institute San Juan Capistrano and AiLife Diagnostics); PubMed 30613976 (cited by Quest Diagnostics Nichols Institute San Juan Capistrano and AiLife Diagnostics); PubMed 30676620 (cited by Quest Diagnostics Nichols Institute San Juan Capistrano and AiLife Diagnostics); PubMed 30877237 (cited by Quest Diagnostics Nichols Institute San Juan Capistrano and AiLife Diagnostics); PubMed 31159747 (cited by Quest Diagnostics Nichols Institute San Juan Capistrano and AiLife Diagnostics); PubMed 31263571 (cited by Quest Diagnostics Nichols Institute San Juan Capistrano and AiLife Diagnostics); PubMed 31447099 (cited by Quest Diagnostics Nichols Institute San Juan Capistrano and AiLife Diagnostics); PubMed 31589614 (cited by Quest Diagnostics Nichols Institute San Juan Capistrano and AiLife Diagnostics); PubMed 31921681 (cited by Quest Diagnostics Nichols Institute San Juan Capistrano and AiLife Diagnostics); PubMed 31980526 (cited by Quest Diagnostics Nichols Institute San Juan Capistrano and AiLife Diagnostics); PubMed 32088803 (cited by Quest Diagnostics Nichols Institute San Juan Capistrano and AiLife Diagnostics); PubMed 32283892 (cited by Quest Diagnostics Nichols Institute San Juan Capistrano and AiLife Diagnostics); PubMed 32338768 (cited by Quest Diagnostics Nichols Institute San Juan Capistrano and AiLife Diagnostics); PubMed 32615015 (cited by Quest Diagnostics Nichols Institute San Juan Capistrano and AiLife Diagnostics); PubMed 32830346 (cited by Quest Diagnostics Nichols Institute San Juan Capistrano and AiLife Diagnostics); PubMed 33193653 (cited by Quest Diagnostics Nichols Institute San Juan Capistrano and AiLife Diagnostics); PubMed 33258288 (cited by Quest Diagnostics Nichols Institute San Juan Capistrano and AiLife Diagnostics); PubMed 33332384 (cited by Quest Diagnostics Nichols Institute San Juan Capistrano and AiLife Diagnostics); PubMed 33384714 (cited by Quest Diagnostics Nichols Institute San Juan Capistrano and AiLife Diagnostics); PubMed 33442023 (cited by Quest Diagnostics Nichols Institute San Juan Capistrano and AiLife Diagnostics); PubMed 33504652 (cited by Quest Diagnostics Nichols Institute San Juan Capistrano and AiLife Diagnostics); PubMed 34026625 (cited by Quest Diagnostics Nichols Institute San Juan Capistrano); PubMed 34259353 (cited by Quest Diagnostics Nichols Institute San Juan Capistrano); PubMed 34426522 (cited by Quest Diagnostics Nichols Institute San Juan Capistrano); PubMed 22744763 (cited by Quest Diagnostics Nichols Institute San Juan Capistrano and AiLife Diagnostics); PubMed 20418187 (cited by 5 submitters); PubMed 24569162 (cited by 3 submitters); PubMed 19836313 (cited by 4 submitters); PubMed 24733792 (cited by Quest Diagnostics Nichols Institute San Juan Capistrano and AiLife Diagnostics); PubMed 30953464 (cited by Quest Diagnostics Nichols Institute San Juan Capistrano and AiLife Diagnostics); PubMed 30833417 (cited by Quest Diagnostics Nichols Institute San Juan Capistrano and AiLife Diagnostics); PubMed 19300419 (cited by Quest Diagnostics Nichols Institute San Juan Capistrano and AiLife Diagnostics); PubMed 16338133 (cited by Color Diagnostics, LLC DBA Color Health and All of Us Research Program, National Institutes of Health); PubMed 19394335 (cited by 3 submitters); PubMed 21171015 (cited by Color Diagnostics, LLC DBA Color Health and All of Us Research Program, National Institutes of Health); PubMed 22266422 (cited by 3 submitters); PubMed 29147111 (cited by Color Diagnostics, LLC DBA Color Health); PubMed 24470512 (cited by Department of Genomics, ADN Uruguay); PubMed 20725929 (cited by Department of Genomics, ADN Uruguay and Pathway Genomics); PubMed 15987719 (cited by Mayo Clinic Laboratories, Mayo Clinic and Laboratory for Molecular Medicine, Mass General Brigham Personalized Medicine); PubMed 19245865 (cited by 3 submitters); PubMed 16140997 (cited by Women's Health and Genetics/Laboratory Corporation of America, LabCorp and Illumina Laboratory Services, Illumina); PubMed 16616356 (cited by Women's Health and Genetics/Laboratory Corporation of America, LabCorp); PubMed 23605219 (cited by Pathway Genomics); PubMed 17956577 (cited by OMIM).